The following is an entry in ClinVar:

ClinVar aggregate classification (germline): Uncertain significance (1 of 4 stars; one submission).

gnomAD v4.1: 1 of 1,519,940 alleles (0.000066%); highest among the groups gnomAD compares: Non-Finnish European, 0.000089%; no homozygotes.

Submission:

Women's Health and Genetics/Laboratory Corporation of America, LabCorp
Classification: Uncertain significance. Last evaluated: 2024-12-03. Review status: criteria provided, single submitter. Criteria: LabCorp Variant Classification Summary - May 2015. Collection method: clinical testing. Allele origin: germline.
Comment: Variant summary: TNXB c.9781C>T (p.Pro3261Ser) results in a non-conservative amino acid change located in the Epidermal growth factor-like domain(IPR000742) of the encoded protein sequence. Three of five in-silico tools predict a benign effect of the variant on protein function. The frequency data for this variant in gnomAD is considered unreliable, as metrics indicate poor data quality at this position. To our knowledge, no occurrence of c.9781C>T in individuals affected with Ehlers-Danlos syndrome due to tenascin-X deficiency and no experimental evidence demonstrating its impact on protein function have been reported. No submitters have cited clinical-significance assessments for this variant to ClinVar. Based on the evidence outlined above, the variant was classified as uncertain significance.

NM_001365276.2(TNXB):c.9787C>T (p.Pro3263Ser)

Gene: TNXB (tenascin XB; minus strand). Cytogenetic location: 6p21.33.
Variant type: single nucleotide variant.
Coding change: c.9787C>T on transcript NM_001365276.2 (MANE Select); coding-DNA position 9787, C replaced by T.
Protein change: p.Pro3263Ser; replaces proline 3263 with serine.
Molecular consequence: missense variant.
Genome position (GRCh38, 1-based): chr6:32,048,621, G>A on the plus strand (C>T on the coding strand, the complement: TNXB is on the minus strand). VCF-style: chr6-32048621-G-A. GRCh37 (hg19) VCF-style: chr6-32016398-G-A.
Other names: c.10528C>T, p.Pro3510Ser (NM_001428335.1); c.9781C>T, p.Pro3261Ser (NM_019105.8); short protein forms P3261S, P3263S, P3510S.
Identifiers: ClinVar variation 3768307 (VCV003768307.1).